The following is an entry in ClinVar:

ClinVar aggregate classification (germline): Likely benign (1 of 4 stars; one submission).

Submission:

Women's Health and Genetics/Laboratory Corporation of America, LabCorp
Classification: Likely benign. Last evaluated: 2026-02-10. Review status: criteria provided, single submitter. Criteria: LabCorp Variant Classification Summary - May 2015. Collection method: clinical testing. Allele origin: germline.
Comment: Variant summary: IKBKG c.519-8C>T alters a nucleotide located at a position not widely known to affect splicing. Consensus agreement among computation tools predict no significant impact on normal splicing. However, these predictions have yet to be confirmed by functional studies. The frequency data for this variant in gnomAD is considered unreliable, as metrics indicate poor data quality at this position. To our knowledge, no occurrence of c.519-8C>T in individuals affected with IKBKG-related conditions and no experimental evidence demonstrating its impact on protein function have been reported. No submitters have cited clinical-significance assessments for this variant to ClinVar. Based on the evidence outlined above, the variant was classified as likely benign.

NM_001099857.5(IKBKG):c.519-8C>T

Gene: IKBKG (inhibitor of nuclear factor kappa B kinase regulatory subunit gamma; plus strand). Cytogenetic location: Xq28.
Variant type: single nucleotide variant.
Coding change: c.519-8C>T on transcript NM_001099857.5 (MANE Select); 8 bases into the intron before coding-DNA position 519, C replaced by T.
Molecular consequence: intron variant.
Genome position (GRCh38, 1-based): chrX:154,560,399, C>T. VCF-style: chrX-154560399-C-T. GRCh37 (hg19) VCF-style: chrX-153788614-C-T.
Other names: c.519-8C>T (NM_001377312.1, NM_001321396.3, NM_003639.4); c.516-8C>T (NM_001377313.1, NM_001321397.3); c.723-8C>T (NM_001099856.6); c.519-1289C>T (NM_001145255.4); c.516-1289C>T (NM_001377314.1); c.400-2411C>T (NM_001377315.1).
Identifiers: ClinVar variation 4847940 (VCV004847940.1).